The following is an entry in ClinVar:

ClinVar aggregate classification (germline): Likely pathogenic (1 of 4 stars; one submission).

Conditions:
Neurodevelopmental disorder with or without variable brain abnormalities; NEDBA. Also called: NEURODEVELOPMENTAL DISORDER WITH OR WITHOUT VARIABLE BRAIN ABNORMALITIES. Identifiers: MedGen C5193102, MONDO:0032755, OMIM 618443.

Submission:

Institute of Human Genetics, University of Leipzig Medical Center
Classification: Likely pathogenic for Neurodevelopmental disorder with or without variable brain abnormalities; NEDBA. Last evaluated: 2019-02-07. Review status: criteria provided, single submitter. Criteria: ACMG Guidelines, 2015. Collection method: clinical testing. Allele origin: de novo. Affected: yes.
Comment: This variant was identified as de novo (maternity and paternity confirmed).

Literature cited by the submitters: PubMed 30612693.

NM_001318852.2(MAPK8IP3):c.281A>G (p.Tyr94Cys)

Genes: MAPK8IP3 (mitogen-activated protein kinase 8 interacting protein 3; plus strand), LOC130058173 (ATAC-STARR-seq lymphoblastoid silent region 6998; plus strand). Cytogenetic location: 16p13.3.
Variant type: single nucleotide variant.
Coding change: c.281A>G on transcript NM_001318852.2 (MANE Select); coding-DNA position 281, A replaced by G.
Protein change: p.Tyr94Cys; replaces tyrosine 94 with cysteine.
Molecular consequence: missense variant.
Genome position (GRCh38, 1-based): chr16:1,706,620, A>G. VCF-style: chr16-1706620-A-G. GRCh37 (hg19) VCF-style: chr16-1756621-A-G.
Other names: c.281A>G, p.Tyr94Cys (NM_015133.5, NM_001040439.2); short protein forms Y94C.
Identifiers: ClinVar variation 916590 (VCV000916590.1), dbSNP rs2037399601, ClinGen allele CA394213856.